The following is an entry in ClinVar:

NM_014738.6(TMEM94):c.771C>G (p.Cys257Trp)

Gene: TMEM94 (transmembrane protein 94; plus strand). Cytogenetic location: 17q25.1.
Variant type: single nucleotide variant.
Coding change: c.771C>G on transcript NM_014738.6 (MANE Select); coding-DNA position 771, C replaced by G.
Protein change: p.Cys257Trp; replaces cysteine 257 with tryptophan.
Molecular consequence: missense variant.
Genome position (GRCh38, 1-based): chr17:75,489,272, C>G. VCF-style: chr17-75489272-C-G. GRCh37 (hg19) VCF-style: chr17-73485353-C-G.
Other names: c.801C>G, p.Cys267Trp (NM_001321148.2, NM_001351203.2); c.771C>G, p.Cys257Trp (NM_001321149.2, NM_001351202.2); short protein forms C267W, C257W.
Identifiers: ClinVar variation 1027888 (VCV001027888.1), dbSNP rs115389161, ClinGen allele CA401011371.
Genomic context (GRCh38, chr17:75,489,272, plus strand): 5'-TGTAGGTTTCTAGCCTCTCTGCCAAGTGAGACTGACAGTCACTTCTTTCTGCAGATGGTG[C>G]CTGGACATGGCCCTGTCCCGACCAGTCACTGCCCTGGACAATGAGCGGTTCACAGTGCAG-3'
Protein context (NP_055553.3, residues 247-267): ETPVIDNIRW[Cys257Trp]LDMALSRPVT

ClinVar aggregate classification (germline): Uncertain significance (1 of 4 stars; one submission).

Conditions:
Intellectual developmental disorder with cardiac defects and dysmorphic facies (IDDCDF). Identifiers: Orphanet 562569, MedGen C5193024, MONDO:0032672, OMIM 618316.

gnomAD v4.1: 6 of 1,613,990 alleles (0.00037%); highest among the groups gnomAD compares: Admixed American, 0.01%; no homozygotes.

Submission:

Baylor Genetics
Classification: Uncertain significance for Intellectual developmental disorder with cardiac defects and dysmorphic facies. Last evaluated: 2019-09-06. Review status: criteria provided, single submitter. Criteria: ACMG Guidelines, 2015. Collection method: clinical testing. Allele origin: unknown. Affected: yes.
Comment: This variant was determined to be of uncertain significance according to ACMG Guidelines, 2015 [PMID:25741868].